The following is an entry in ClinVar:

ClinVar aggregate classification (germline): Uncertain significance (1 of 4 stars; one submission).

gnomAD v4.1: 1 of 1,614,174 alleles (0.000062%); highest among the groups gnomAD compares: Admixed American, 0.0017%; no homozygotes.

Submission:

GeneDx
Classification: Uncertain significance. Last evaluated: 2024-11-11. Review status: criteria provided, single submitter. Criteria: GeneDx Variant Classification Process June 2021. Collection method: clinical testing. Allele origin: germline. Affected: yes.
Comment: Not observed at significant frequency in large population cohorts (gnomAD); In silico analysis supports that this missense variant has a deleterious effect on protein structure/function; Has not been previously published as pathogenic or benign to our knowledge

NM_002296.4(LBR):c.1328C>A (p.Thr443Lys)

Gene: LBR (lamin B receptor; minus strand). Cytogenetic location: 1q42.12.
Variant type: single nucleotide variant.
Coding change: c.1328C>A on transcript NM_002296.4 (MANE Select); coding-DNA position 1328, C replaced by A.
Protein change: p.Thr443Lys; replaces threonine 443 with lysine.
Molecular consequence: missense variant.
Genome position (GRCh38, 1-based): chr1:225,406,819, G>T on the plus strand (C>A on the coding strand, the complement: LBR is on the minus strand). VCF-style: chr1-225406819-G-T. GRCh37 (hg19) VCF-style: chr1-225594521-G-T.
Other names: c.1328C>A, p.Thr443Lys (NM_194442.3); short protein forms T443K.
Identifiers: ClinVar variation 3898819 (VCV003898819.1).